The following is an entry in ClinVar:

ClinVar aggregate classification (germline): Pathogenic (1 of 4 stars; one submission).

Conditions:
Hereditary breast ovarian cancer syndrome. Also called: Hereditary breast and ovarian cancer syndrome; Hereditary breast and/or ovarian cancer syndrome; BRCA1- and BRCA2-Associated Hereditary Breast and Ovarian Cancer; Hereditary breast and ovarian cancer; Breast and ovarian cancer; Hereditary breast and ovarian cancer syndrome (HBOC). Identifiers: Orphanet 145, MedGen C0677776, MeSH D061325, MONDO:0003582. Disease mechanism: loss of function.

Submission:

Labcorp Genetics (formerly Invitae), Labcorp
Classification: Pathogenic for Hereditary breast ovarian cancer syndrome. Last evaluated: 2023-09-28. Review status: criteria provided, single submitter. Criteria: Invitae Variant Classification Sherloc (09022015). Collection method: clinical testing. Allele origin: germline.
Comment: For these reasons, this variant has been classified as Pathogenic. Algorithms developed to predict the effect of sequence changes on RNA splicing suggest that this variant may disrupt the consensus splice site. This variant has not been reported in the literature in individuals affected with BRCA1-related conditions. This variant is not present in population databases (gnomAD no frequency). This sequence change creates a premature translational stop signal (p.Val8Serfs*6) in the BRCA1 gene. It is expected to result in an absent or disrupted protein product. Loss-of-function variants in BRCA1 are known to be pathogenic (PMID: 20104584).

Literature cited by the submitters: PubMed 20104584.

NM_007294.4(BRCA1):c.21_28del (p.Val8fs)

Gene: BRCA1 (BRCA1 DNA repair associated; minus strand). Cytogenetic location: 17q21.31.
Variant type: Deletion.
Coding change: c.21_28del on transcript NM_007294.4 (MANE Select); coding-DNA positions 21 to 28, 8 bases deleted (CGTTGAAG; older notation c.21_28delCGTTGAAG).
Protein change: p.Val8fs; shifts the reading frame from valine 8.
Molecular consequence: frameshift variant. On other transcripts: 5 prime UTR variant (136), intron variant (36).
Genome position (GRCh38, 1-based): chr17:43,124,069-43,124,076, CTTCAACG deleted on the plus strand (CGTTGAAG on the coding strand, the reverse complement: BRCA1 is on the minus strand); deleting any 8 consecutive bases within chr17:43,124,069-43,124,077 gives the same sequence; the c. name uses the placement nearest the transcript's 3' end. VCF-style (leftmost placement, unchanged base first): chr17-43124068-TCTTCAACG-T. GRCh37 (hg19) VCF-style: chr17-41276085-TCTTCAACG-T.
Other names: c.21_28del, p.Val8fs (NM_001408400.1, NM_001408401.1, NM_001408402.1 and 192 more transcripts); c.-240_-233del (NM_001408410.1, NM_001407725.1, NM_001407730.1 and 22 more transcripts); c.-237_-230del (NM_001407694.1, NM_001407724.1, NM_001407727.1 and 11 more transcripts); c.-241_-234del (NM_001407695.1, NM_001408465.1); c.-382_-375del (NM_001407696.1); c.-266_-259del (NM_001407697.1, NM_001407846.1, NM_001407920.1); c.-67_-60del (NM_001407698.1, NM_001407732.1, NM_001407736.1 and 23 more transcripts); c.-186_-179del (NM_001407726.1, NM_001407751.1); and 24 more; short protein forms V8fs.
Identifiers: ClinVar variation 2764006 (VCV002764006.3), dbSNP rs2552278999, ClinGen allele CA2697559926.